The following is an entry in ClinVar:

GRCh37/hg19 17p13.3-13.2(chr17:2313096-3735525)x1

Genes: ASPA (aspartoacylase; plus strand), CLUH (clustered mitochondria homolog; minus strand), CTNS (cystinosin, lysosomal cystine transporter; plus strand), EMC6 (ER membrane protein complex subunit 6; plus strand), HASPIN (histone H3 associated protein kinase; plus strand) and 22 more. Cytogenetic location: 17p13.3-13.2.
Variant type: copy number loss.
Change: copy number 1 (one copy instead of two) of chr17:2,313,096-3,735,525 (1.42 Mb, GRCh37 coordinates, 1-based), cytogenetic band 17p13.3-13.2.
Identifiers: ClinVar variation 1180511 (VCV001180511.4).

ClinVar aggregate classification (germline): Pathogenic (1 of 4 stars; one submission).

Submission:

Illumina Laboratory Services, Illumina
Classification: Pathogenic. Last evaluated: 2020-05-11. Review status: criteria provided, single submitter. Criteria: ICSL CNVClassificationCriteria Jul2020Prior. Collection method: clinical testing. Allele origin: unknown.
Comment: This CNV is a 1.4 Mb deletion of 17p13.3-p13.2 on chromosome 17, (seq[GRCh37]del(17)(p13.3p13.2); chr17:g.2313096_3735525del), found in a de novo state. This event encompasses 35 genes, including the PAFAH1B1 gene (formerly known as LIS1), and partially overlaps with the well-described 17p13.3 microdeletion region. This event does not include the YWHAE gene, which is also generally deleted in individuals with 17p13.3 microdeletion syndrome and extends proximally into the adjacent band, 17p13.2. Microdeletions of 17p13.3 are associated with a range of clinical phenotypes, including isolated lissencephaly sequence (ILS), subcortical band heterotopia (SBH) and Miller-Dieker syndrome (MDS) (Dobyns et al. 2014). The MDS phenotype is generally attributed to haploinsufficiency of minimal critical region which encompasses both PAFAH1B1 and YWHAE, however several surrounding genes have also been identified as potential contributors to the presentation (Cardoso et al. 2003, Dobyns et al. 2014). Deletions and loss-of-function variants in PAFAH1B1 typically cause ILS and heterozygous deletions containing PAFAH1B1 and small loss-of-function variants have been reported in over 60 individuals with lissencephaly (Cardoso et al. 2002, Cardoso et al. 2003, Dobyns et al. 2014). The majority of the 17p13.3 deletions described in the literature occurred de novo and approximately 20% are inherited from a parent who carries a balanced chromosome rearrangement (Dobyns et al. 2014). This event also fully encompasses two genes associated with autosomal recessive disorders in which loss of function is a mechanism of disease, ASPA and CTNS, which are associated with Canavan disease and cystinosis respectively. Based on the collective evidence, this CNV is classified as pathogenic.

Literature cited by the submitters: PubMed 11754098; PubMed 12621583; PubMed 20301752.